The following is an entry in ClinVar:

NM_013447.4(ADGRE2):c.1937T>C (p.Leu646Pro)

Gene: ADGRE2 (adhesion G protein-coupled receptor E2; minus strand). Cytogenetic location: 19p13.12.
Variant type: single nucleotide variant.
Coding change: c.1937T>C on transcript NM_013447.4 (MANE Select); coding-DNA position 1937, T replaced by C.
Protein change: p.Leu646Pro; replaces leucine 646 with proline.
Molecular consequence: missense variant.
Genome position (GRCh38, 1-based): chr19:14,751,523, A>G on the plus strand (T>C on the coding strand, the complement: ADGRE2 is on the minus strand). VCF-style: chr19-14751523-A-G. GRCh37 (hg19) VCF-style: chr19-14862335-A-G.
Other names: c.1763T>C, p.Leu588Pro (NM_001271052.1); c.1790T>C, p.Leu597Pro (NM_152916.2); c.1658T>C, p.Leu553Pro (NM_152917.2); short protein forms L553P, L588P, L597P, L646P.
Identifiers: ClinVar variation 4723926 (VCV004723926.1).

ClinVar aggregate classification (germline): Uncertain significance (1 of 4 stars; one submission).

Submission:

Labcorp Genetics (formerly Invitae), Labcorp
Classification: Uncertain significance. Last evaluated: 2025-07-29. Review status: criteria provided, single submitter. Criteria: Invitae Variant Classification Sherloc (09022015). Collection method: clinical testing. Allele origin: germline.
Comment: This sequence change replaces leucine, which is neutral and non-polar, with proline, which is neutral and non-polar, at codon 646 of the ADGRE2 protein (p.Leu646Pro). This variant is not present in population databases (gnomAD no frequency). This variant has not been reported in the literature in individuals affected with ADGRE2-related conditions. An algorithm developed to predict the effect of missense changes on protein structure and function (PolyPhen-2) suggests that this variant is likely to be disruptive. In summary, the available evidence is currently insufficient to determine the role of this variant in disease. Therefore, it has been classified as a Variant of Uncertain Significance.